The following is an entry in ClinVar:

ClinVar aggregate classification (germline): Likely benign (1 of 4 stars; one submission).

Allele frequency attached by ClinVar (database versions not stated): gnomAD exomes 0.00039; gnomAD 0.00323; TOPMed 0.00363; 1000 Genomes Project 0.00399; 1000 Genomes Project 30x 0.00500; ExAC 0.00514.

Submission:

CeGaT Center for Human Genetics Tuebingen
Classification: Likely benign. Last evaluated: 2023-04-01. Review status: criteria provided, single submitter. Criteria: CeGaT Center For Human Genetics Tuebingen Variant Classification Criteria Version 2. Collection method: clinical testing. Allele origin: germline. Affected: yes. Observed: 1 variant allele.
Comment: ZSCAN2: BP4, BP7, BS2

NM_181877.4(ZSCAN2):c.*1255C>T

Gene: ZSCAN2 (zinc finger and SCAN domain containing 2; plus strand). Cytogenetic location: 15q25.2.
Variant type: single nucleotide variant.
Coding change: c.*1255C>T on transcript NM_181877.4 (MANE Select); 1255 bases downstream of the stop codon, C replaced by T.
Molecular consequence: 3 prime UTR variant.
Genome position (GRCh38, 1-based): chr15:84,623,295, C>T. VCF-style: chr15-84623295-C-T. GRCh37 (hg19) VCF-style: chr15-85166526-C-T.
Identifiers: ClinVar variation 2645648 (VCV002645648.22), dbSNP rs570812618, ClinGen allele CA7707070.